The following is an entry in ClinVar:

NM_003482.4(KMT2D):c.2927C>G (p.Pro976Arg)

Gene: KMT2D (lysine methyltransferase 2D; minus strand). Cytogenetic location: 12q13.12.
Variant type: single nucleotide variant.
Coding change: c.2927C>G on transcript NM_003482.4 (MANE Select); coding-DNA position 2927, C replaced by G.
Protein change: p.Pro976Arg; replaces proline 976 with arginine.
Molecular consequence: missense variant.
Genome position (GRCh38, 1-based): chr12:49,050,661, G>C on the plus strand (C>G on the coding strand, the complement: KMT2D is on the minus strand). VCF-style: chr12-49050661-G-C. GRCh37 (hg19) VCF-style: chr12-49444444-G-C.
Other names: short protein forms P976R.
Identifiers: ClinVar variation 3635164 (VCV003635164.3).

ClinVar aggregate classification (germline): Uncertain significance. Review status: criteria provided, multiple submitters, no conflicts (2 of 4 stars). 2 submissions from 2 submitters: Uncertain significance (2). Last evaluated 2025-04-30.

Conditions:
Kabuki syndrome. Also called: NIIKAWA-KUROKI SYNDROME; Kabuki make-up syndrome. Identifiers: Orphanet 2322, MedGen C0796004, MONDO:0016512.

Submissions (2):

GeneDx
Classification: Uncertain significance. Last evaluated: 2025-04-30. Review status: criteria provided, single submitter. Criteria: GeneDx Variant Classification Process June 2021. Collection method: clinical testing. Allele origin: germline. Affected: yes.
Comment: Not observed at significant frequency in large population cohorts (gnomAD); In silico analysis indicates that this missense variant does not alter protein structure/function; Has not been previously published as pathogenic or benign to our knowledge

Labcorp Genetics (formerly Invitae), Labcorp
Classification: Uncertain significance for Kabuki syndrome. Last evaluated: 2024-04-09. Review status: criteria provided, single submitter. Criteria: Invitae Variant Classification Sherloc (09022015). Collection method: clinical testing. Allele origin: germline.
Comment: This sequence change replaces proline, which is neutral and non-polar, with arginine, which is basic and polar, at codon 976 of the KMT2D protein (p.Pro976Arg). This variant is not present in population databases (gnomAD no frequency). This variant has not been reported in the literature in individuals affected with KMT2D-related conditions. Advanced modeling of protein sequence and biophysical properties (such as structural, functional, and spatial information, amino acid conservation, physicochemical variation, residue mobility, and thermodynamic stability) performed at Invitae indicates that this missense variant is not expected to disrupt KMT2D protein function with a negative predictive value of 95%. In summary, the available evidence is currently insufficient to determine the role of this variant in disease. Therefore, it has been classified as a Variant of Uncertain Significance.